The following is an entry in ClinVar:

NM_001844.5(COL2A1):c.2617G>T (p.Gly873Trp)

Gene: COL2A1 (collagen type II alpha 1 chain; minus strand). Cytogenetic location: 12q13.11.
Variant type: single nucleotide variant.
Coding change: c.2617G>T on transcript NM_001844.5 (MANE Select); coding-DNA position 2617, G replaced by T.
Protein change: p.Gly873Trp; replaces glycine 873 with tryptophan.
Molecular consequence: missense variant.
Genome position (GRCh38, 1-based): chr12:47,980,562, C>A on the plus strand (G>T on the coding strand, the complement: COL2A1 is on the minus strand). VCF-style: chr12-47980562-C-A. GRCh37 (hg19) VCF-style: chr12-48374345-C-A.
Other names: c.2410G>T, p.Gly804Trp (NM_033150.3); short protein forms G873W, G804W.
Identifiers: ClinVar variation 280522 (VCV000280522.3), dbSNP rs886041713, ClinGen allele CA10603262.

ClinVar aggregate classification (germline): Pathogenic. Review status: criteria provided, multiple submitters, no conflicts (2 of 4 stars). 2 submissions from 2 submitters: Pathogenic (2). Last evaluated 2022-05-04.

Conditions:
Stickler syndrome type 1 (STL1). Also called: COL2A1-Related Stickler Syndrome; ARTHROOPHTHALMOPATHY, HEREDITARY PROGRESSIVE; STICKLER SYNDROME, MEMBRANOUS VITREOUS TYPE; STICKLER SYNDROME, VITREOUS TYPE 1. Identifiers: Orphanet 828, Orphanet 90653, MedGen C2020284, MONDO:0007160, OMIM 108300.

Submissions (2):

Mendelics
Classification: Pathogenic for Stickler syndrome type 1. Last evaluated: 2022-05-04. Review status: criteria provided, single submitter. Criteria: Mendelics Assertion Criteria 2019. Collection method: clinical testing. Allele origin: germline.

GeneDx
Classification: Pathogenic. Last evaluated: 2016-04-20. Review status: criteria provided, single submitter. Criteria: GeneDx Variant Classification (06012015). Collection method: clinical testing. Allele origin: germline. Affected: yes.
Comment: The G873W pathogenic variant in the COL2A1 gene has not been reported previously as a pathogenic variant nor as a benign variant, to our knowledge. The G873W variant was not observed in approximately 6500 individuals of European and African American ancestry in the NHLBI Exome Sequencing Project, indicating it is not a common benign variant in these populations. The G873W variant is a semi-conservative amino acid substitution, which may impact secondary protein structure as these residues differ in some properties. This substitution occurs at a position that is conserved across species, affecting the Glycine residue of the triple-helical region containing Gly-X-Y repeats. In silico analysis predicts this variant is probably damaging to the protein structure/function. Missense variants in the same residue (G873R) and in a nearby residue (G870E) have been reported in the Human Gene Mutation Database in association with spondyloepiphyseal dysplasia (Stenson et al., 2014), supporting the functional importance of this region of the protein. We interpret G873W as a pathogenic variant.